The following is an entry in ClinVar:

ClinVar aggregate classification (germline): Likely benign. Review status: criteria provided, multiple submitters, no conflicts (2 of 4 stars). 6 submissions from 6 submitters: Likely benign (5). 1 of the submissions does not count toward it. Last evaluated 2026-03-01.

Conditions:
Charcot-Marie-Tooth disease axonal type 2O. Also called: CHARCOT-MARIE-TOOTH NEUROPATHY, AXONAL, TYPE 2O; CHARCOT-MARIE-TOOTH DISEASE, AXONAL, AUTOSOMAL DOMINANT, TYPE 2O; Charcot-Marie-Tooth disease, axonal, type 20; Charcot-Marie-Tooth Neuropathy Type 2O. Identifiers: Orphanet 284232, MedGen C3280220, MONDO:0013644, OMIM 614228.
DYNC1H1-related disorder. Also called: DYNC1H1-related condition; DYNC1H1-related disorders. Identifiers: MedGen CN381529.
Inborn genetic diseases. Identifiers: MedGen C0950123, MeSH D030342.

Allele frequency attached by ClinVar (database versions not stated): gnomAD exomes 0.00015 and 0.00002; ExAC 0.00004; gnomAD 0.00004; TOPMed 0.00004; ESP Exome Variant Server 0.00015.
gnomAD v4.1: 227 of 1,614,112 alleles (0.014%); highest among the groups gnomAD compares: Non-Finnish European, 0.019%; no homozygotes.

Submissions (6):

CeGaT Center for Human Genetics Tuebingen
Classification: Likely benign. Last evaluated: 2026-03-01. Review status: criteria provided, single submitter. Criteria: CeGaT Center For Human Genetics Tuebingen Variant Classification Criteria Version 2. Collection method: clinical testing. Allele origin: germline. Affected: yes. Observed: 2 variant alleles.
Comment: DYNC1H1: BP4, BP7

Labcorp Genetics (formerly Invitae), Labcorp
Classification: Likely benign for Charcot-Marie-Tooth disease axonal type 2O. Last evaluated: 2026-01-19. Review status: criteria provided, single submitter. Criteria: Invitae Variant Classification Sherloc (09022015). Collection method: clinical testing. Allele origin: germline.

Blueprint Genetics
Classification: Likely benign. Last evaluated: 2023-01-13. Review status: criteria provided, single submitter. Criteria: ACMG Guidelines, 2015. Collection method: clinical testing. Allele origin: germline.

GeneDx
Classification: Likely benign. Last evaluated: 2021-03-16. Review status: criteria provided, single submitter. Criteria: GeneDx Variant Classification Process June 2021. Collection method: clinical testing. Allele origin: germline. Affected: yes.

Ambry Genetics
Classification: Likely benign for Inborn genetic diseases. Last evaluated: 2018-01-25. Review status: criteria provided, single submitter. Criteria: Ambry Variant Classification Scheme 2023. Collection method: clinical testing. Allele origin: germline.

PreventionGenetics, part of Exact Sciences
Classification: Likely benign for DYNC1H1-related condition. Last evaluated: 2024-02-13. Review status: no assertion criteria provided. Collection method: clinical testing. Allele origin: germline. Not counted in ClinVar's aggregate classification.
Comment: This variant is classified as likely benign based on ACMG/AMP sequence variant interpretation guidelines (Richards et al. 2015 PMID: 25741868, with internal and published modifications).

NM_001376.5(DYNC1H1):c.6909C>T (p.Phe2303=)

Gene: DYNC1H1 (dynein cytoplasmic 1 heavy chain 1; plus strand). Cytogenetic location: 14q32.31.
Variant type: single nucleotide variant.
Coding change: c.6909C>T on transcript NM_001376.5 (MANE Select); coding-DNA position 6909, C replaced by T.
Protein change: p.Phe2303=; no amino-acid change (phenylalanine 2303 retained).
Molecular consequence: synonymous variant.
Genome position (GRCh38, 1-based): chr14:102,012,365, C>T. VCF-style: chr14-102012365-C-T. GRCh37 (hg19) VCF-style: chr14-102478702-C-T.
Identifiers: ClinVar variation 384140 (VCV000384140.39), dbSNP rs138326082, ClinGen allele CA7352708.